The following is an entry in ClinVar:

NM_001130009.3(GEN1):c.803G>A (p.Gly268Asp)

Gene: GEN1 (GEN1 structure-specific endonuclease; plus strand). Cytogenetic location: 2p24.2.
Variant type: single nucleotide variant.
Coding change: c.803G>A on transcript NM_001130009.3 (MANE Select); coding-DNA position 803, G replaced by A.
Protein change: p.Gly268Asp; replaces glycine 268 with aspartic acid.
Molecular consequence: missense variant.
Genome position (GRCh38, 1-based): chr2:17,772,634, G>A. VCF-style: chr2-17772634-G-A. GRCh37 (hg19) VCF-style: chr2-17953901-G-A.
Other names: c.803G>A, p.Gly268Asp (NM_182625.5); c.803G>A (NM_001130009.1); short protein forms G268D.
Identifiers: ClinVar variation 1052756 (VCV001052756.10), dbSNP rs139945353, ClinGen allele CA1540574.

ClinVar aggregate classification (germline): Uncertain significance. Review status: criteria provided, multiple submitters, no conflicts (2 of 4 stars). 2 submissions from 2 submitters: Uncertain significance (2). Last evaluated 2025-04-13.

Allele frequency attached by ClinVar (database versions not stated): gnomAD exomes below 0.00001 and 0.00001.
gnomAD v4.1: 5 of 1,602,428 alleles (0.00031%); highest among the groups gnomAD compares: South Asian, 0.0022%; no homozygotes.

Submissions (2):

Ambry Genetics
Classification: Uncertain significance. Last evaluated: 2025-04-13. Review status: criteria provided, single submitter. Criteria: Ambry Variant Classification Scheme 2023. Collection method: clinical testing. Allele origin: germline.
Comment: The p.G268D variant (also known as c.803G>A) is located in coding exon 7 of the GEN1 gene. The glycine at codon 268 is replaced by aspartic acid, an amino acid with similar properties. This change occurs in the first base pair of coding exon 7. This amino acid position is conserved. In addition, the in silico prediction for this alteration is inconclusive. Based on the available evidence, the clinical significance of this variant remains unclear.

Labcorp Genetics (formerly Invitae), Labcorp
Classification: Uncertain significance. Last evaluated: 2024-04-30. Review status: criteria provided, single submitter. Criteria: Invitae Variant Classification Sherloc (09022015). Collection method: clinical testing. Allele origin: germline.
Comment: This sequence change replaces glycine, which is neutral and non-polar, with aspartic acid, which is acidic and polar, at codon 268 of the GEN1 protein (p.Gly268Asp). This variant is present in population databases (rs139945353, gnomAD 0.003%). This variant has not been reported in the literature in individuals affected with GEN1-related conditions. ClinVar contains an entry for this variant (Variation ID: 1052756). An algorithm developed to predict the effect of missense changes on protein structure and function (PolyPhen-2) suggests that this variant is likely to be disruptive. Algorithms developed to predict the effect of sequence changes on RNA splicing suggest that this variant may disrupt the consensus splice site. In summary, the available evidence is currently insufficient to determine the role of this variant in disease. Therefore, it has been classified as a Variant of Uncertain Significance.